The following is an entry in ClinVar:

ClinVar aggregate classification (germline): Uncertain significance (1 of 4 stars; one submission).

Conditions:
Nemaline myopathy 6 (NEM6). Also called: Nemaline myopathy 6, autosomal dominant. Identifiers: Orphanet 171439, MedGen C1836472, MONDO:0012237, OMIM 609273.

gnomAD v4.1: 6 of 1,397,940 alleles (0.00043%); highest among the groups gnomAD compares: Non-Finnish European, 0.00055%; no homozygotes.

Submission:

Labcorp Genetics (formerly Invitae), Labcorp
Classification: Uncertain significance for Nemaline myopathy 6. Last evaluated: 2024-08-07. Review status: criteria provided, single submitter. Criteria: Invitae Variant Classification Sherloc (09022015). Collection method: clinical testing. Allele origin: germline.
Comment: This sequence change replaces alanine, which is neutral and non-polar, with threonine, which is neutral and polar, at codon 158 of the KBTBD13 protein (p.Ala158Thr). This variant is not present in population databases (gnomAD no frequency). This variant has not been reported in the literature in individuals affected with KBTBD13-related conditions. Advanced modeling of protein sequence and biophysical properties (such as structural, functional, and spatial information, amino acid conservation, physicochemical variation, residue mobility, and thermodynamic stability) performed at Invitae indicates that this missense variant is not expected to disrupt KBTBD13 protein function with a negative predictive value of 80%. In summary, the available evidence is currently insufficient to determine the role of this variant in disease. Therefore, it has been classified as a Variant of Uncertain Significance.

NM_001101362.3(KBTBD13):c.472G>A (p.Ala158Thr)

Gene: KBTBD13 (kelch repeat and BTB domain containing 13; plus strand). Cytogenetic location: 15q22.31.
Variant type: single nucleotide variant.
Coding change: c.472G>A on transcript NM_001101362.3 (MANE Select); coding-DNA position 472, G replaced by A.
Protein change: p.Ala158Thr; replaces alanine 158 with threonine.
Molecular consequence: missense variant.
Genome position (GRCh38, 1-based): chr15:65,077,287, G>A. VCF-style: chr15-65077287-G-A. GRCh37 (hg19) VCF-style: chr15-65369625-G-A.
Other names: short protein forms A158T.
Identifiers: ClinVar variation 3606164 (VCV003606164.2).